The following is an entry in ClinVar:

ClinVar aggregate classification (germline): Uncertain significance. Review status: criteria provided, multiple submitters, no conflicts (2 of 4 stars). 2 submissions from 2 submitters: Uncertain significance (2). Last evaluated 2025-12-01.

Conditions:
Inborn genetic diseases. Identifiers: MedGen C0950123, MeSH D030342.

Allele frequency attached by ClinVar (database versions not stated): ExAC 0.00001; TOPMed 0.00004; gnomAD 0.00005; ESP Exome Variant Server 0.00009; gnomAD exomes 0.00011.
gnomAD v4.1: 161 of 1,605,596 alleles (0.01%); highest among the groups gnomAD compares: Non-Finnish European, 0.013%; 1 homozygote.

Submissions (2):

Labcorp Genetics (formerly Invitae), Labcorp
Classification: Uncertain significance. Last evaluated: 2025-12-01. Review status: criteria provided, single submitter. Criteria: Invitae Variant Classification Sherloc (09022015). Collection method: clinical testing. Allele origin: germline.
Comment: This sequence change replaces lysine, which is basic and polar, with glutamine, which is neutral and polar, at codon 1219 of the PCLO protein (p.Lys1219Gln). This variant is present in population databases (rs371186571, gnomAD 0.004%). This variant has not been reported in the literature in individuals affected with PCLO-related conditions. ClinVar contains an entry for this variant (Variation ID: 1946022). Experimental studies and prediction algorithms are not available or were not evaluated, and the functional significance of this variant is currently unknown. In summary, the available evidence is currently insufficient to determine the role of this variant in disease. Therefore, it has been classified as a Variant of Uncertain Significance.

Ambry Genetics
Classification: Uncertain significance for Inborn genetic diseases. Last evaluated: 2024-07-23. Review status: criteria provided, single submitter. Criteria: Ambry Variant Classification Scheme 2023. Collection method: clinical testing. Allele origin: germline.

NM_033026.6(PCLO):c.3655A>C (p.Lys1219Gln)

Gene: PCLO (piccolo presynaptic cytomatrix protein; minus strand). Cytogenetic location: 7q21.11.
Variant type: single nucleotide variant.
Coding change: c.3655A>C on transcript NM_033026.6 (MANE Select); coding-DNA position 3655, A replaced by C.
Protein change: p.Lys1219Gln; replaces lysine 1219 with glutamine.
Molecular consequence: missense variant.
Genome position (GRCh38, 1-based): chr7:82,966,133, T>G on the plus strand (A>C on the coding strand, the complement: PCLO is on the minus strand). VCF-style: chr7-82966133-T-G. GRCh37 (hg19) VCF-style: chr7-82595449-T-G.
Other names: c.3655A>C, p.Lys1219Gln (NM_014510.3); c.3655A>C (NM_033026.5); short protein forms K1219Q.
Identifiers: ClinVar variation 1946022 (VCV001946022.4), dbSNP rs371186571, ClinGen allele CA4320993.
Genomic context (GRCh38, chr7:82,966,133, plus strand): 5'-TTTCTTCTAGGAGTGGCTTTTTTTCTTCAGAACGTATCTTTTCTTCTTCAGGGATTAGTT[T>G]TTTTTCTTCAGGGAGTGGCTTTTTTTCTTGAAGAGCTGAAGCTTTGTCTTTCTCTAGTTT-3'
Protein context (NP_149015.2, residues 1209-1229): QEKKPLPEEK[Lys1219Gln]LIPEEEKIRS